The following is an entry in ClinVar:

NM_031942.5(CDCA7):c.788G>A (p.Arg263Lys)

Gene: CDCA7 (cell division cycle associated 7; plus strand). Cytogenetic location: 2q31.1.
Variant type: single nucleotide variant.
Coding change: c.788G>A on transcript NM_031942.5 (MANE Select); coding-DNA position 788, G replaced by A.
Protein change: p.Arg263Lys; replaces arginine 263 with lysine.
Molecular consequence: missense variant.
Genome position (GRCh38, 1-based): chr2:173,364,883, G>A. VCF-style: chr2-173364883-G-A. GRCh37 (hg19) VCF-style: chr2-174229611-G-A.
Other names: p.Arg263Lys; c.551G>A, p.Arg184Lys (NM_145810.3); short protein forms R184K, R263K.
Identifiers: ClinVar variation 3380853 (VCV003380853.1).

ClinVar aggregate classification (germline): Uncertain significance (1 of 4 stars; one submission).

Submission:

Mayo Clinic Laboratories, Mayo Clinic
Classification: Uncertain significance. Last evaluated: 2024-03-07. Review status: criteria provided, single submitter. Criteria: ACMG Guidelines, 2015. Collection method: clinical testing. Allele origin: germline. Observed: 1 variant allele.
Comment: BP4